The following is an entry in ClinVar:

ClinVar aggregate classification (germline): Pathogenic (1 of 4 stars; one submission).

Conditions:
Multiple sulfatase deficiency (MSD). Also called: Mucosulfatidosis; Multiple Sulfatase Deficiency Disease; Sulfatidosis, Juvenile, Austin Type. Identifiers: Orphanet 585, MedGen C0268263, MONDO:0010088, OMIM 272200.

Submission:

Myriad Genetics, Inc.
Classification: Pathogenic for Multiple sulfatase deficiency. Last evaluated: 2024-05-14. Review status: criteria provided, single submitter. Criteria: Myriad Autosomal Dominant, Autosomal Recessive and X-Linked Classification Criteria (2023). Collection method: clinical testing. Allele origin: unknown.
Comment: NM_182760.3(SUMF1):c.167_168ins17(Q56Hfs*59) is expected to be pathogenic in the context of multiple sulfatase deficiency. This variant is predicted to lead to an abnormal or absent protein product due to the creation of a premature termination codon in SUMF1, a gene where loss-of-function variants are known to be pathogenic. Please note: this variant was assessed in the context of healthy population screening.

NM_182760.4(SUMF1):c.167_168insTGTGTATAAGAGACAGT (p.Gln56fs)

Genes: SUMF1 (sulfatase modifying factor 1; minus strand), LOC129936056 (ATAC-STARR-seq lymphoblastoid silent region 14016; plus strand). Cytogenetic location: 3p26.1.
Variant type: Insertion.
Coding change: c.167_168insTGTGTATAAGAGACAGT on transcript NM_182760.4 (MANE Select); coding-DNA positions 167 to 168, TGTGTATAAGAGACAGT inserted.
Protein change: p.Gln56fs; shifts the reading frame from glutamine 56.
Molecular consequence: frameshift variant.
Genome position: GRCh38 VCF-style: chr3-4467078-C-CACTGTCTCTTATACACA. GRCh37 (hg19) VCF-style: chr3-4508762-C-CACTGTCTCTTATACACA.
Other names: c.167_168insTGTGTATAAGAGACAGT, p.Gln56fs (NM_001164674.2, NM_001164675.2); short protein forms Q56fs.
Identifiers: ClinVar variation 5011129 (VCV005011129.1).
Genomic context (GRCh38, chr3:4,467,078, plus strand): 5'-AGCGTTAGCCTCCCGCGAGTATCGGTGAGCGGCTGCCGAACTGCCATGGGCGCCAGGCCG[C>CACTGTCTCTTATACACA]TGGGGCGTGCCGCAGCCGCAAGAACCCGCAAGGGACCCCGCGCCCGCACCGGTCCCGGCC-3'